The following is an entry in ClinVar:

NM_177438.3(DICER1):c.3509C>G (p.Ala1170Gly)

Gene: DICER1 (dicer 1, ribonuclease III; minus strand). Cytogenetic location: 14q32.13.
Variant type: single nucleotide variant.
Coding change: c.3509C>G on transcript NM_177438.3 (MANE Select); coding-DNA position 3509, C replaced by G.
Protein change: p.Ala1170Gly; replaces alanine 1170 with glycine.
Molecular consequence: missense variant.
Genome position (GRCh38, 1-based): chr14:95,103,887, G>C on the plus strand (C>G on the coding strand, the complement: DICER1 is on the minus strand). VCF-style: chr14-95103887-G-C. GRCh37 (hg19) VCF-style: chr14-95570224-G-C.
Other names: c.3509C>G, p.Ala1170Gly (NM_001195573.1, NM_001271282.3, NM_001291628.2 and 1 more transcripts); short protein forms A1170G.
Identifiers: ClinVar variation 948385 (VCV000948385.11), dbSNP rs1484416477, ClinGen allele CA390875131.
Genomic context (GRCh38, chr14:95,103,887, plus strand): 5'-TCATAACTGCCATTGGCGAGATTTTGATTGTAAGAAAGACCATTAATTGCTGTAAGATCT[G>C]CTGAAACTTCAACGTGGAGCTTACCAGGGGACTCGCTGAGCAACGTTCTGCAGTTCACAG-3'
Protein context (NP_803187.1, residues 1160-1180): SPGKLHVEVS[Ala1170Gly]DLTAINGLSY

ClinVar aggregate classification (germline): Uncertain significance (1 of 4 stars; one submission).

Conditions:
DICER1-related tumor predisposition. Also called: DICER1-related pleuropulmonary blastoma cancer predisposition syndrome; DICER1 syndrome. Identifiers: Orphanet 284343, MedGen C3839822, MONDO:0100216.

Allele frequency attached by ClinVar (database versions not stated): gnomAD exomes below 0.00001.
gnomAD v4.1: 1 of 1,614,152 alleles (0.000062%); highest among the groups gnomAD compares: South Asian, 0.0011%; no homozygotes.

Submission:

Labcorp Genetics (formerly Invitae), Labcorp
Classification: Uncertain significance for DICER1-related tumor predisposition. Last evaluated: 2023-05-24. Review status: criteria provided, single submitter. Criteria: Invitae Variant Classification Sherloc (09022015). Collection method: clinical testing. Allele origin: germline.
Comment: In summary, the available evidence is currently insufficient to determine the role of this variant in disease. Therefore, it has been classified as a Variant of Uncertain Significance. Advanced modeling of protein sequence and biophysical properties (such as structural, functional, and spatial information, amino acid conservation, physicochemical variation, residue mobility, and thermodynamic stability) performed at Invitae indicates that this missense variant is not expected to disrupt DICER1 protein function. ClinVar contains an entry for this variant (Variation ID: 948385). This variant has not been reported in the literature in individuals affected with DICER1-related conditions. This variant is present in population databases (no rsID available, gnomAD 0.003%). This sequence change replaces alanine, which is neutral and non-polar, with glycine, which is neutral and non-polar, at codon 1170 of the DICER1 protein (p.Ala1170Gly).